The following is an entry in ClinVar:

NM_001103.4(ACTN2):c.2485G>A (p.Glu829Lys)

Gene: ACTN2 (actinin alpha 2; plus strand). Cytogenetic location: 1q43.
Variant type: single nucleotide variant.
Coding change: c.2485G>A on transcript NM_001103.4 (MANE Select); coding-DNA position 2485, G replaced by A.
Protein change: p.Glu829Lys; replaces glutamic acid 829 with lysine.
Molecular consequence: missense variant.
Genome position (GRCh38, 1-based): chr1:236,761,132, G>A. VCF-style: chr1-236761132-G-A. GRCh37 (hg19) VCF-style: chr1-236924432-G-A.
Other names: c.2485G>A (NM_001103.2); c.2485G>A, p.Glu829Lys (NM_001278343.2); c.1861G>A, p.Glu621Lys (NM_001278344.2); short protein forms E829K, E621K.
Identifiers: ClinVar variation 532042 (VCV000532042.10), dbSNP rs770335717, ClinGen allele CA1473457.
Genomic context (GRCh38, chr1:236,761,132, plus strand): 5'-GTCACCTTCCAATCCTTCATCGACTTCATGACTAGAGAGACGGCTGACACCGACACTGCC[G>A]AGCAGGTCATCGCCTCCTTCCGGATCCTGGCTTCTGATAAGGTCTGCATTGACAGATTTC-3'
Protein context (NP_001094.1, residues 819-839): TRETADTDTA[Glu829Lys]QVIASFRILA

ClinVar aggregate classification (germline): Uncertain significance. Review status: criteria provided, multiple submitters, no conflicts (2 of 4 stars). 4 submissions from 4 submitters: Uncertain significance (4). Last evaluated 2026-08-08.

Conditions:
Dilated cardiomyopathy 1AA (CMD1AA). Also called: Cardiomyopathy, dilated, 1AA, with or without LVNC; CARDIOMYOPATHY, DILATED, 1AA, WITH OR WITHOUT LEFT VENTRICULAR NONCOMPACTION; CARDIOMYOPATHY, FAMILIAL HYPERTROPHIC, 23, WITH OR WITHOUT LEFT VENTRICULAR NONCOMPACTION. Identifiers: Orphanet 154, MedGen C2677338, MONDO:0012808, OMIM 612158.
Myopathy, congenital, with structured cores and z-line abnormalities. Also called: MULTIPLE STRUCTURED CORE DISEASE; CONGENITAL MYOPATHY 8. Identifiers: MedGen C5231445, MONDO:0032852, OMIM 618654.
Myopathy, distal, 6, adult-onset, autosomal dominant. Identifiers: MedGen C5203349, MONDO:0032853, OMIM 618655.
Primary familial hypertrophic cardiomyopathy (HCM). Identifiers: Orphanet 99739, MedGen C0949658, MeSH D024741, MONDO:0024573. Inheritance: Various modes of inheritance.
ACTN2-related disorder. Also called: ACTN2 related condition; ACTN2-related disorders.
Cardiovascular phenotype. Identifiers: MedGen CN230736.

Allele frequency attached by ClinVar (database versions not stated): gnomAD exomes below 0.00001; ExAC 0.00001.
gnomAD v4.1: 6 of 1,614,110 alleles (0.00037%); highest among the groups gnomAD compares: South Asian, 0.0033%; no homozygotes.

Submissions (4):

Ambry Genetics
Classification: Uncertain significance for Cardiovascular phenotype. Last evaluated: 2026-08-08. Review status: criteria provided, single submitter. Criteria: Ambry Variant Classification Scheme 2023. Collection method: clinical testing. Allele origin: germline.
Comment: The p.E829K variant (also known as c.2485G>A), located in coding exon 20 of the ACTN2 gene, results from a G to A substitution at nucleotide position 2485. The glutamic acid at codon 829 is replaced by lysine, an amino acid with similar properties. This amino acid position is conserved. In addition, the in silico prediction for this alteration is inconclusive. Based on the available evidence, the clinical significance of this variant remains unclear.

PreventionGenetics, part of Exact Sciences
Classification: Uncertain significance for ACTN2-related condition. Last evaluated: 2025-09-17. Review status: criteria provided, single submitter. Criteria: ACMG Guidelines, 2015. Collection method: clinical testing. Allele origin: germline.
Comment: The ACTN2 c.2485G>A variant is predicted to result in the amino acid substitution p.Glu829Lys. To our knowledge, this variant has not been reported in the literature or in a large population database (gnomAD), indicating this variant is rare. At this time, the clinical significance of this variant is uncertain due to the absence of conclusive functional and genetic evidence.

Fulgent Genetics
Classification: Uncertain significance for Dilated cardiomyopathy 1AA; Myopathy, congenital, with structured cores and z-line abnormalities; Myopathy, distal, 6, adult-onset, autosomal dominant. Last evaluated: 2021-11-04. Review status: criteria provided, single submitter. Criteria: ACMG Guidelines, 2015. Collection method: clinical testing. Allele origin: unknown.

Labcorp Genetics (formerly Invitae), Labcorp
Classification: Uncertain significance for Primary familial hypertrophic cardiomyopathy; Dilated cardiomyopathy 1AA. Last evaluated: 2021-08-27. Review status: criteria provided, single submitter. Criteria: Invitae Variant Classification Sherloc (09022015). Collection method: clinical testing. Allele origin: germline.
Comment: This sequence change replaces glutamic acid with lysine at codon 829 of the ACTN2 protein (p.Glu829Lys). The glutamic acid residue is highly conserved and there is a small physicochemical difference between glutamic acid and lysine. This variant is present in population databases (rs770335717, ExAC 0.006%). This variant has not been reported in the literature in individuals affected with ACTN2-related conditions. Algorithms developed to predict the effect of missense changes on protein structure and function (SIFT, PolyPhen-2, Align-GVGD) all suggest that this variant is likely to be disruptive. In summary, the available evidence is currently insufficient to determine the role of this variant in disease. Therefore, it has been classified as a Variant of Uncertain Significance.